The following is an entry in ClinVar:

NM_002382.5(MAX):c.150C>T (p.Val50=)

Genes: MAX (MYC associated transcriptional regulator X; minus strand), MAX-AS1 (MAX antisense RNA 1; plus strand). Cytogenetic location: 14q23.3.
Variant type: single nucleotide variant.
Coding change: c.150C>T on transcript NM_002382.5 (MANE Select); coding-DNA position 150, C replaced by T.
Protein change: p.Val50=; no amino-acid change (valine 50 retained).
Molecular consequence: synonymous variant. On other transcripts: non-coding transcript variant (12), 5 prime UTR variant (6), missense variant (1), intron variant (1).
Genome position (GRCh38, 1-based): chr14:65,093,729, G>A on the plus strand (C>T on the coding strand, the complement: MAX is on the minus strand). VCF-style: chr14-65093729-G-A. GRCh37 (hg19) VCF-style: chr14-65560447-G-A.
Other names: c.123C>T, p.Val41= (NM_001271068.2, NM_001271069.2, NM_001407095.1 and 9 more transcripts); c.-125C>T (NM_001320415.2, NM_001407105.1, NM_001407106.1 and 1 more transcripts); c.150C>T, p.Val50= (NM_001407094.1, NM_001407096.1, NM_001407097.1 and 5 more transcripts); c.-218C>T (NM_001407111.1, NM_001407112.1); c.173C>T, p.Ser58Phe (NM_001407114.1); c.63+7817C>T (NM_001407098.1); short protein forms S58F.
Identifiers: ClinVar variation 1570395 (VCV001570395.12), dbSNP rs2139883121, ClinGen allele CA486742690.

ClinVar aggregate classification (germline): Benign/Likely benign. Review status: criteria provided, multiple submitters, no conflicts (2 of 4 stars). 3 submissions from 3 submitters: Benign (1); Likely benign (2). Last evaluated 2026-06-08.

Conditions:
Hereditary cancer-predisposing syndrome. Also called: Neoplastic Syndromes, Hereditary; Tumor predisposition; Hereditary Cancer Syndrome; Hereditary neoplastic syndrome. Identifiers: Orphanet 140162, MedGen C0027672, MeSH D009386, MONDO:0015356.
Hereditary pheochromocytoma and paraganglioma. Also called: Hereditary Paraganglioma-Pheochromocytoma Syndromes; Hereditary paragangliomas and pheochromocytomas; Hereditary pheochromocytoma-paraganglioma. Identifiers: Orphanet 29072, MedGen C4274332, MONDO:0017366.
Pheochromocytoma. Also called: MAX-Related Hereditary Paraganglioma-Pheochromocytoma Syndrome. Identifiers: Orphanet 29072, MedGen C0031511, MONDO:0008233, OMIM 171300, HP:0002666.

Submissions (3):

Myriad Genetics, Inc.
Classification: Benign for Pheochromocytoma. Last evaluated: 2026-06-08. Review status: criteria provided, single submitter. Criteria: Myriad Autosomal Dominant, Autosomal Recessive and X-Linked Classification Criteria (2023). Collection method: clinical testing. Allele origin: unknown.
Comment: This variant is considered benign. This variant is a silent/synonymous amino acid change and it is not expected to impact splicing.

Labcorp Genetics (formerly Invitae), Labcorp
Classification: Likely benign for Hereditary pheochromocytoma and paraganglioma. Last evaluated: 2025-06-15. Review status: criteria provided, single submitter. Criteria: Invitae Variant Classification Sherloc (09022015). Collection method: clinical testing. Allele origin: germline.

Ambry Genetics
Classification: Likely benign for Hereditary cancer-predisposing syndrome. Last evaluated: 2019-08-19. Review status: criteria provided, single submitter. Criteria: Ambry Variant Classification Scheme 2023. Collection method: clinical testing. Allele origin: germline.